The following is an entry in ClinVar:

ClinVar aggregate classification (germline): Pathogenic/Likely pathogenic. Review status: criteria provided, multiple submitters, no conflicts (2 of 4 stars). 5 submissions from 5 submitters: Pathogenic (3); Likely pathogenic (2). Last evaluated 2025-12-31.

Conditions:
MUTYH-related disorder. Also called: MUTYH-related disorders; MUTYH-related condition.
Hereditary cancer-predisposing syndrome. Also called: Neoplastic Syndromes, Hereditary; Tumor predisposition; Hereditary Cancer Syndrome; Hereditary neoplastic syndrome. Identifiers: Orphanet 140162, MedGen C0027672, MeSH D009386, MONDO:0015356.
Familial adenomatous polyposis 2. Also called: FAP type 2; MYH-associated polyposis; Adenomas, multiple colorectal; MUTYH-associated polyposis; MUTYH Polyposis; MUTYH-related attenuated familial adenomatous polyposis. Identifiers: Orphanet 220460, Orphanet 247798, MedGen C3272841, MONDO:0012041, OMIM 608456.

Submissions (5):

Labcorp Genetics (formerly Invitae), Labcorp
Classification: Pathogenic for Familial adenomatous polyposis 2. Last evaluated: 2025-12-31. Review status: criteria provided, single submitter. Criteria: Invitae Variant Classification Sherloc (09022015). Collection method: clinical testing. Allele origin: germline.
Comment: This sequence change creates a premature translational stop signal (p.Pro405Leufs*123) in the MUTYH gene. It is expected to result in an absent or disrupted protein product. Loss-of-function variants in MUTYH are known to be pathogenic (PMID: 18534194, 20663686). This variant is not present in population databases (gnomAD no frequency). This variant has not been reported in the literature in individuals affected with MUTYH-related conditions. ClinVar contains an entry for this variant (Variation ID: 216080). For these reasons, this variant has been classified as Pathogenic.

PreventionGenetics, part of Exact Sciences
Classification: Pathogenic for MUTYH-related condition. Last evaluated: 2025-12-30. Review status: criteria provided, single submitter. Criteria: ACMG Guidelines, 2015. Collection method: clinical testing. Allele origin: germline.
Comment: The MUTYH c.1214_1224del11 variant is predicted to result in a frameshift and premature protein termination (p.Pro405Leufs*123). To our knowledge, this variant has not been reported in the literature or in a large population database (gnomAD), indicating this variant is rare. This variant is interpreted as pathogenic/likely pathogenic in ClinVar (Variation ID: 216080). Frameshift variants in MUTYH are expected to be pathogenic. This variant is interpreted as pathogenic.

GeneDx
Classification: Likely pathogenic. Last evaluated: 2025-03-24. Review status: criteria provided, single submitter. Criteria: GeneDx Variant Classification Process June 2021. Collection method: clinical testing. Allele origin: germline. Affected: yes.
Comment: Frameshift variant predicted to result in abnormal protein length as the last 145 amino acids are replaced with 122 different amino acids, and other similar variants have been reported in HGMD; Not observed at significant frequency in large population cohorts (gnomAD); Has not been previously published as pathogenic or benign to our knowledge

Baylor Genetics
Classification: Likely pathogenic for Familial adenomatous polyposis 2. Last evaluated: 2023-08-06. Review status: criteria provided, single submitter. Criteria: ACMG Guidelines, 2015. Collection method: clinical testing. Allele origin: unknown.

Ambry Genetics
Classification: Pathogenic for Hereditary cancer-predisposing syndrome. Last evaluated: 2023-05-22. Review status: criteria provided, single submitter. Criteria: Ambry Variant Classification Scheme 2023. Collection method: clinical testing. Allele origin: germline.
Comment: The c.1214_1224del11 pathogenic mutation, located in coding exon 13 of the MUTYH gene, results from a deletion of 11 nucleotides at nucleotide positions 1214 to 1224, causing a translational frameshift with a predicted alternate stop codon (p.P405Lfs*123). This alteration occurs at the 3' terminus of the MUTYH gene, is not expected to trigger nonsense-mediated mRNA decay, and only impacts the last 145 amino acids of the protein. However, premature stop codons are typically deleterious in nature and the impacted region is critical for protein function (Ambry internal data). Based on the supporting evidence, this alteration is interpreted as a disease-causing mutation.

Literature cited by the submitters: PubMed 18534194 (cited by Labcorp Genetics (formerly Invitae), Labcorp); PubMed 20663686 (cited by Labcorp Genetics (formerly Invitae), Labcorp).

NM_001048174.2(MUTYH):c.1130_1140del (p.Pro377fs)

Gene: MUTYH (mutY DNA glycosylase; minus strand). Cytogenetic location: 1p34.1.
Variant type: Deletion.
Coding change: c.1130_1140del on transcript NM_001048174.2 (MANE Select); coding-DNA positions 1130 to 1140, 11 bases deleted (CGTCCGTGACC).
Protein change: p.Pro377fs; shifts the reading frame from proline 377.
Molecular consequence: frameshift variant. On other transcripts: non-coding transcript variant (2).
Genome position (GRCh38, 1-based): chr1:45,331,519-45,331,529, GGTCACGGACG deleted on the plus strand (CGTCCGTGACC on the coding strand, the reverse complement: MUTYH is on the minus strand); deleting any 11 consecutive bases within chr1:45,331,519-45,331,531 gives the same sequence; the c. name uses the placement nearest the transcript's 3' end. VCF-style (leftmost placement, unchanged base first): chr1-45331518-AGGTCACGGACG-A. GRCh37 (hg19) VCF-style: chr1-45797190-AGGTCACGGACG-A.
Other names: c.1214_1224del, p.Pro405fs (NM_001128425.2); c.1175_1185del, p.Pro392fs (NM_001293190.2); c.1163_1173del, p.Pro388fs (NM_001293191.2); c.854_864del, p.Pro285fs (NM_001293192.2, NM_001293196.2); c.1130_1140del, p.Pro377fs (NM_001293195.2, NM_001048171.2, NM_001048173.2); c.785_795del, p.Pro262fs (NM_001350650.2, NM_001350651.2); c.1214_1224delCGTCCGTGACC (NM_001128425.1); c.1133_1143del, p.Pro378fs (NM_001048172.2); and 2 more; short protein forms P285fs, P262fs, P377fs, P378fs, P402fs, P388fs, P392fs, P405fs.
Identifiers: ClinVar variation 216080 (VCV000216080.21), dbSNP rs863224501, ClinGen allele CA336859.
Genomic context (GRCh38, chr1:45,331,518, plus strand): 5'-CAGCCCAACGCTGTAGTTCCTGCAGCAGGGCCTTGCGCTGAAGCTGCTCTGAGGGCTCCC[AGGTCACGGACG>A]GGAACTCCCACAGTCCTGCCAGCAGACCTGAGAGGGAGGGCAGCCAGGCAGGGGTCAGGC-3'